The following is an entry in ClinVar:

NM_006852.6(TLK2):c.1163A>G (p.Lys388Arg)

Gene: TLK2 (tousled like kinase 2; plus strand). Cytogenetic location: 17q23.2.
Variant type: single nucleotide variant.
Coding change: c.1163A>G on transcript NM_006852.6 (MANE Select); coding-DNA position 1163, A replaced by G.
Protein change: p.Lys388Arg; replaces lysine 388 with arginine.
Molecular consequence: missense variant.
Genome position (GRCh38, 1-based): chr17:62,576,750, A>G. VCF-style: chr17-62576750-A-G. GRCh37 (hg19) VCF-style: chr17-60654111-A-G.
Other names: c.1067A>G, p.Lys356Arg (NM_001375272.1, NM_001438203.1, NM_001438204.1 and 1 more transcripts); c.716A>G, p.Lys239Arg (NM_001375273.1, NM_001330418.3); c.878A>G, p.Lys293Arg (NM_001411074.1); c.974A>G, p.Lys325Arg (NM_001438205.1); c.1163A>G, p.Lys388Arg (NM_001375271.1, NM_001375270.1); c.1229A>G, p.Lys410Arg (NM_001284333.3); c.1205A>G, p.Lys402Arg (NM_001375269.1); short protein forms K239R, K293R, K325R, K356R, K388R, K402R, K410R.
Identifiers: ClinVar variation 4852298 (VCV004852298.1).

ClinVar aggregate classification (germline): Likely benign (1 of 4 stars; one submission).

Conditions:
Intellectual developmental disorder, autosomal dominant 57. Also called: MENTAL RETARDATION, AUTOSOMAL DOMINANT 57; Intellectual disability, autosomal dominant 57. Identifiers: MedGen C4748003, MONDO:0054837, OMIM 618050.

gnomAD v4.1: 55 of 1,613,414 alleles (0.0034%); highest among the groups gnomAD compares: South Asian, 0.052%; no homozygotes.

Submission:

Centre for Medical Genetics,  Mumbai
Classification: Likely benign for Intellectual developmental disorder, autosomal dominant 57. Last evaluated: 2026-05-06. Review status: criteria provided, single submitter. Criteria: ACMG Guidelines, 2015. Collection method: provider interpretation. Allele origin: germline. Inheritance: Autosomal dominant inheritance. Affected: no. Observed: 1 variant allele, 1 heterozygote.
Comment: The variant satisfies PP2 criteria - missense variant in a gene with low rate of benign missense mutations and for which missense mutation is a common mechanism of a disease. However, the variant satisfies BS2 criteria - present in heterozygous state in an individual that clinically does not have Intellectual developmental disorder.

Literature cited by the submitters: PubMed 27479843.